The following is an entry in ClinVar:

ClinVar aggregate classification (germline): Uncertain significance (1 of 4 stars; one submission).

Conditions:
EHHADH-related disorder. Also called: EHHADH-related condition.

Submission:

PreventionGenetics, part of Exact Sciences
Classification: Uncertain significance for EHHADH-related condition. Last evaluated: 2024-10-23. Review status: criteria provided, single submitter. Criteria: ACMG Guidelines, 2015. Collection method: clinical testing. Allele origin: germline.
Comment: The EHHADH c.1537_1538delinsAA variant is predicted to result in an in-frame deletion and insertion. To our knowledge, this variant has not been reported in the literature or in a large population database (gnomAD), indicating this variant is rare. Currently the clinical significance of premature protein truncating variants in EHHADH is uncertain. At this time, the clinical significance of this variant is uncertain due to the absence of conclusive functional and genetic evidence.

NM_001966.4(EHHADH):c.1537_1538delinsAA (p.Gly513Asn)

Gene: EHHADH (enoyl-CoA hydratase and 3-hydroxyacyl CoA dehydrogenase; minus strand). Cytogenetic location: 3q27.2.
Variant type: Indel.
Coding change: c.1537_1538delinsAA on transcript NM_001966.4 (MANE Select); coding-DNA positions 1537 to 1538, GG replaced by AA.
Protein change: p.Gly513Asn; replaces glycine 513 with asparagine.
Molecular consequence: missense variant.
Genome position (GRCh38, 1-based): chr3:185,192,860-185,192,861, CC replaced by TT on the plus strand (GG replaced by AA on the coding strand, the reverse complement: EHHADH is on the minus strand). VCF-style: chr3-185192860-CC-TT. GRCh37 (hg19) VCF-style: chr3-184910648-CC-TT.
Other names: c.1249_1250delinsAA, p.Gly417Asn (NM_001166415.2); short protein forms G417N, G513N.
Identifiers: ClinVar variation 4998415 (VCV004998415.1).
Genomic context (GRCh38, chr3:185,192,860, plus strand): 5'-GATTTCCAGCCCACATCCAACCCAGCAAGATCAGACACTCTAAAAGGTCCCATTTTAAAA[CC>TT]AAACTCTTCCAGCACCTGATCTACCTCCTCTGGTTTGCTGCCTTCTTCTAACAAGAAATA-3'
Protein context (NP_001957.2, residues 503-523): EEVDQVLEEF[Gly513Asn]FKMGPFRVSD